The following is an entry in ClinVar:

ClinVar aggregate classification (germline): Uncertain significance (1 of 4 stars; one submission).

Allele frequency attached by ClinVar (database versions not stated): gnomAD exomes below 0.00001; ExAC 0.00001.
gnomAD v4.1: 2 of 1,613,806 alleles (0.00012%); highest among the groups gnomAD compares: Non-Finnish European, 0.00017%; no homozygotes.

Submission:

Labcorp Genetics (formerly Invitae), Labcorp
Classification: Uncertain significance. Last evaluated: 2022-05-25. Review status: criteria provided, single submitter. Criteria: Invitae Variant Classification Sherloc (09022015). Collection method: clinical testing. Allele origin: germline.
Comment: In summary, the available evidence is currently insufficient to determine the role of this variant in disease. Therefore, it has been classified as a Variant of Uncertain Significance. Algorithms developed to predict the effect of missense changes on protein structure and function (SIFT, PolyPhen-2, Align-GVGD) all suggest that this variant is likely to be tolerated. This variant has not been reported in the literature in individuals affected with SUCO-related conditions. This variant is present in population databases (rs765033341, gnomAD 0.002%). This sequence change replaces glutamic acid, which is acidic and polar, with lysine, which is basic and polar, at codon 868 of the SUCO protein (p.Glu868Lys).

NM_014283.5(SUCO):c.2602G>A (p.Glu868Lys)

Gene: SUCO (SUN domain containing ossification factor; plus strand). Cytogenetic location: 1q24.3.
Variant type: single nucleotide variant.
Coding change: c.2602G>A on transcript NM_014283.5 (MANE Select); coding-DNA position 2602, G replaced by A.
Protein change: p.Glu868Lys; replaces glutamic acid 868 with lysine.
Molecular consequence: missense variant. On other transcripts: intron variant (1).
Genome position (GRCh38, 1-based): chr1:172,589,703, G>A. VCF-style: chr1-172589703-G-A. GRCh37 (hg19) VCF-style: chr1-172558843-G-A.
Other names: c.913G>A, p.Glu305Lys (NM_001282751.2); c.3055G>A, p.Glu1019Lys (NM_016227.4); c.1712+779G>A (NM_001282750.2); short protein forms E305K, E1019K, E868K.
Identifiers: ClinVar variation 1918897 (VCV001918897.5), dbSNP rs765033341, ClinGen allele CA1247111.
Genomic context (GRCh38, chr1:172,589,703, plus strand): 5'-ACAGCAAAGCAAACTTTGATTTCTGTTGTGGATTCTTCTTCATTACCTGAAGTAAAAGAA[G>A]AAGAACAGTCTCCAGAAGATGCCCTTTTGAGAGGGTTACAGAGGACAGCTACAGATTTTT-3'
Protein context (NP_055098.1, residues 858-878): DSSSLPEVKE[Glu868Lys]EQSPEDALLR